The following is an entry in ClinVar:

NM_007294.4(BRCA1):c.4618del (p.Glu1540fs)

Gene: BRCA1 (BRCA1 DNA repair associated; minus strand). Cytogenetic location: 17q21.31.
Variant type: Deletion.
Coding change: c.4618del on transcript NM_007294.4 (MANE Select); coding-DNA position 4618, one base deleted (G; older notation c.4618delG).
Protein change: p.Glu1540fs; shifts the reading frame from glutamic acid 1540.
Molecular consequence: frameshift variant. On other transcripts: intron variant (3).
Genome position (GRCh38, 1-based): chr17:43,074,388, C deleted on the plus strand (G on the coding strand, the reverse complement: BRCA1 is on the minus strand); the first of 2 consecutive C bases (chr17:43,074,388-43,074,389); deleting either gives the same sequence. VCF-style (leftmost placement, unchanged base first): chr17-43074387-TC-T. GRCh37 (hg19) VCF-style: chr17-41226404-TC-T.
Other names: c.4492del, p.Glu1498fs (NM_001407675.1, NM_001407676.1, NM_001407677.1 and 11 more transcripts); c.925del, p.Glu309fs (NM_001408511.1); c.805del, p.Glu269fs (NM_001408512.1); c.4405del, p.Glu1469fs (NM_001407571.1, NM_001407894.1, NM_001407895.1 and 12 more transcripts); c.4477del, p.Glu1493fs (NM_007297.4, NM_001407695.1, NM_001407696.1 and 13 more transcripts); c.4684del, p.Glu1562fs (NM_001407581.1, NM_001407582.1); c.1306del, p.Glu436fs (NM_007298.4, NM_007299.4, NM_001407979.1 and 12 more transcripts); c.4489del, p.Glu1497fs (NM_001407681.1, NM_001407682.1, NM_001407683.1 and 6 more transcripts); and 72 more; short protein forms E1491fs, E1536fs, E1539fs, E1540fs, E1561fs, E328fs, E365fs, E366fs.
Identifiers: ClinVar variation 4625305 (VCV004625305.1).

ClinVar aggregate classification (germline): Pathogenic (1 of 4 stars; one submission).

Conditions:
Hereditary cancer-predisposing syndrome. Also called: Neoplastic Syndromes, Hereditary; Tumor predisposition; Hereditary Cancer Syndrome; Hereditary neoplastic syndrome. Identifiers: Orphanet 140162, MedGen C0027672, MeSH D009386, MONDO:0015356.

Submission:

Ambry Genetics
Classification: Pathogenic for Hereditary cancer-predisposing syndrome. Last evaluated: 2025-11-04. Review status: criteria provided, single submitter. Criteria: Ambry Variant Classification Scheme 2023. Collection method: clinical testing. Allele origin: germline.
Comment: The c.4618delG pathogenic mutation, located in coding exon 13 of the BRCA1 gene, results from a deletion of one nucleotide at nucleotide position 4618, causing a translational frameshift with a predicted alternate stop codon (p.E1540Kfs*8). This variant is considered to be rare based on population cohorts in the Genome Aggregation Database (gnomAD). This alteration is expected to result in loss of function by premature protein truncation or nonsense-mediated mRNA decay. As such, this alteration is interpreted as a disease-causing mutation.